The following is an entry in ClinVar:

ClinVar aggregate classification (germline): Uncertain significance (1 of 4 stars; one submission).

Conditions:
Atrial fibrillation, familial, 18 (ATFB18). Identifiers: MedGen C4310636, MONDO:0015001, OMIM 617280.

Allele frequency attached by ClinVar (database versions not stated): ExAC 0.00001; gnomAD exomes 0.00001; gnomAD 0.00002; TOPMed 0.00003.

Submission:

Labcorp Genetics (formerly Invitae), Labcorp
Classification: Uncertain significance for Atrial fibrillation, familial, 18. Last evaluated: 2025-06-18. Review status: criteria provided, single submitter. Criteria: Invitae Variant Classification Sherloc (09022015). Collection method: clinical testing. Allele origin: germline.
Comment: This sequence change replaces methionine, which is neutral and non-polar, with threonine, which is neutral and polar, at codon 106 of the MYL4 protein (p.Met106Thr). This variant is present in population databases (rs750824303, gnomAD 0.01%). This variant has not been reported in the literature in individuals affected with MYL4-related conditions. ClinVar contains an entry for this variant (Variation ID: 2155068). An algorithm developed to predict the effect of missense changes on protein structure and function (PolyPhen-2) suggests that this variant is likely to be disruptive. In summary, the available evidence is currently insufficient to determine the role of this variant in disease. Therefore, it has been classified as a Variant of Uncertain Significance.

NM_002476.2(MYL4):c.317T>C (p.Met106Thr)

Gene: MYL4 (myosin light chain 4; plus strand). Cytogenetic location: 17q21.32.
Variant type: single nucleotide variant.
Coding change: c.317T>C on transcript NM_002476.2 (MANE Select); coding-DNA position 317, T replaced by C.
Protein change: p.Met106Thr; replaces methionine 106 with threonine.
Molecular consequence: missense variant.
Genome position (GRCh38, 1-based): chr17:47,221,685, T>C. VCF-style: chr17-47221685-T-C. GRCh37 (hg19) VCF-style: chr17-45299051-T-C.
Other names: c.317T>C, p.Met106Thr (NM_001002841.2); short protein forms M106T.
Identifiers: ClinVar variation 2155068 (VCV002155068.4), dbSNP rs750824303, ClinGen allele CA8622719.
Genomic context (GRCh38, chr17:47,221,685, plus strand): 5'-GCTCCCTTGAGCACCTGCTCACATTGATTTCTCTTTCTTTACCCTGCCTGCCTGAAGAGA[T>C]GAATGTCAAGATGCTGGACTTTGAGACGTTCTTGCCCATCCTGCAGCACATTTCCCGCAA-3'
Protein context (NP_002467.1, residues 96-116): RVLGKPKPEE[Met106Thr]NVKMLDFETF